The following is an entry in ClinVar:

ClinVar aggregate classification (germline): Likely pathogenic (1 of 4 stars; one submission).

Submission:

Labcorp Genetics (formerly Invitae), Labcorp
Classification: Likely pathogenic. Last evaluated: 2024-09-29. Review status: criteria provided, single submitter. Criteria: Invitae Variant Classification Sherloc (09022015). Collection method: clinical testing. Allele origin: germline.
Comment: This sequence change replaces proline, which is neutral and non-polar, with arginine, which is basic and polar, at codon 558 of the PHEX protein (p.Pro558Arg). This variant is not present in population databases (gnomAD no frequency). This missense change has been observed in individual(s) with hypophosphatemic rickets (PMID: 18046499, 30682568; internal data). Invitae Evidence Modeling of protein sequence and biophysical properties (such as structural, functional, and spatial information, amino acid conservation, physicochemical variation, residue mobility, and thermodynamic stability) indicates that this missense variant is expected to disrupt PHEX protein function with a positive predictive value of 80%. In summary, the currently available evidence indicates that the variant is pathogenic, but additional data are needed to prove that conclusively. Therefore, this variant has been classified as Likely Pathogenic.

Literature cited by the submitters: PubMed 18046499; PubMed 30682568.

NM_000444.6(PHEX):c.1673C>G (p.Pro558Arg)

Genes: PHEX (phosphate regulating endopeptidase X-linked; plus strand), PTCHD1-AS (PTCHD1 and PHEX antisense RNA; minus strand). Cytogenetic location: Xp22.11.
Variant type: single nucleotide variant.
Coding change: c.1673C>G on transcript NM_000444.6 (MANE Select); coding-DNA position 1673, C replaced by G.
Protein change: p.Pro558Arg; replaces proline 558 with arginine.
Molecular consequence: missense variant.
Genome position (GRCh38, 1-based): chrX:22,212,931, C>G. VCF-style: chrX-22212931-C-G. GRCh37 (hg19) VCF-style: chrX-22231048-C-G.
Other names: c.1673C>G, p.Pro558Arg (NM_001282754.2); short protein forms P558R.
Identifiers: ClinVar variation 3724118 (VCV003724118.2).